The following is an entry in ClinVar:

NM_152564.5(VPS13B):c.3061G>C (p.Val1021Leu)

Gene: VPS13B (vacuolar protein sorting 13 homolog B; plus strand). Cytogenetic location: 8q22.2.
Variant type: single nucleotide variant.
Coding change: c.3061G>C on transcript NM_152564.5 (MANE Select); coding-DNA position 3061, G replaced by C.
Protein change: p.Val1021Leu; replaces valine 1021 with leucine.
Molecular consequence: missense variant.
Genome position (GRCh38, 1-based): chr8:99,391,683, G>C. VCF-style: chr8-99391683-G-C. GRCh37 (hg19) VCF-style: chr8-100403911-G-C.
Other names: c.3061G>C, p.Val1021Leu (NM_017890.5); short protein forms V1021L.
Identifiers: ClinVar variation 2165849 (VCV002165849.1), dbSNP rs771816274, ClinGen allele CA4823140.

ClinVar aggregate classification (germline): Uncertain significance (1 of 4 stars; one submission).

Conditions:
Cohen syndrome (COH1). Also called: Cutis verticis gyrata, retinitis pigmentosa, and sensorineural deafness; PEPPER SYNDROME. Identifiers: Orphanet 193, MedGen C0265223, MONDO:0008999, OMIM 216550.

Allele frequency attached by ClinVar (database versions not stated): TOPMed below 0.00001; gnomAD exomes 0.00001; ExAC 0.00002.
gnomAD v4.1: 8 of 1,614,000 alleles (0.0005%); highest among the groups gnomAD compares: Non-Finnish European, 0.00068%; no homozygotes.

Submission:

Labcorp Genetics (formerly Invitae), Labcorp
Classification: Uncertain significance for Cohen syndrome. Last evaluated: 2022-02-21. Review status: criteria provided, single submitter. Criteria: Invitae Variant Classification Sherloc (09022015). Collection method: clinical testing. Allele origin: germline.
Comment: This sequence change replaces valine, which is neutral and non-polar, with leucine, which is neutral and non-polar, at codon 1021 of the VPS13B protein (p.Val1021Leu). This variant is present in population databases (rs771816274, gnomAD 0.003%). This variant has not been reported in the literature in individuals affected with VPS13B-related conditions. Algorithms developed to predict the effect of missense changes on protein structure and function output the following: SIFT: "Not Available"; PolyPhen-2: "Benign"; Align-GVGD: "Not Available". The leucine amino acid residue is found in multiple mammalian species, which suggests that this missense change does not adversely affect protein function. In summary, the available evidence is currently insufficient to determine the role of this variant in disease. Therefore, it has been classified as a Variant of Uncertain Significance.